The following is an entry in ClinVar:

NM_001184880.2(PCDH19):c.3356A>T (p.Glu1119Val)

Gene: PCDH19 (protocadherin 19; minus strand). Cytogenetic location: Xq22.1.
Variant type: single nucleotide variant.
Coding change: c.3356A>T on transcript NM_001184880.2 (MANE Select); coding-DNA position 3356, A replaced by T.
Protein change: p.Glu1119Val; replaces glutamic acid 1119 with valine.
Molecular consequence: missense variant.
Genome position (GRCh38, 1-based): chrX:100,296,368, T>A on the plus strand (A>T on the coding strand, the complement: PCDH19 is on the minus strand). VCF-style: chrX-100296368-T-A. GRCh37 (hg19) VCF-style: chrX-99551366-T-A.
Other names: c.3215A>T, p.Glu1072Val (NM_001105243.2); c.3212A>T, p.Glu1071Val (NM_020766.3); short protein forms E1071V, E1072V, E1119V.
Identifiers: ClinVar variation 1718826 (VCV001718826.6), dbSNP rs2520442260, ClinGen allele CA413999501.

ClinVar aggregate classification (germline): Uncertain significance (1 of 4 stars; one submission).

Conditions:
Developmental and epileptic encephalopathy, 9 (DEE9). Also called: EPILEPSY, FEMALE-RESTRICTED, WITH MENTAL RETARDATION; Early infantile epileptic encephalopathy 9; JUBERG-HELLMAN SYNDROME; PCDH19-Related X-Linked Female-Limited Epilepsy with Mental Retardation. Identifiers: Orphanet 101039, Orphanet 2076, MedGen C1848137, MONDO:0010246, OMIM 300088. Disease mechanism: loss of function.

Submission:

Labcorp Genetics (formerly Invitae), Labcorp
Classification: Uncertain significance for Developmental and epileptic encephalopathy, 9. Last evaluated: 2023-07-21. Review status: criteria provided, single submitter. Criteria: Invitae Variant Classification Sherloc (09022015). Collection method: clinical testing. Allele origin: germline.
Comment: In summary, the available evidence is currently insufficient to determine the role of this variant in disease. Therefore, it has been classified as a Variant of Uncertain Significance. Advanced modeling of protein sequence and biophysical properties (such as structural, functional, and spatial information, amino acid conservation, physicochemical variation, residue mobility, and thermodynamic stability) performed at Invitae indicates that this missense variant is not expected to disrupt PCDH19 protein function. ClinVar contains an entry for this variant (Variation ID: 1718826). This missense change has been observed in individual(s) with clinical features of PCDH19-related conditions (Invitae). This variant is not present in population databases (gnomAD no frequency). This sequence change replaces glutamic acid, which is acidic and polar, with valine, which is neutral and non-polar, at codon 1119 of the PCDH19 protein (p.Glu1119Val).